The following is an entry in ClinVar:

NC_000023.10:g.(?_31838072)_(31838220_?)dup

Gene: DMD (dystrophin; minus strand). Cytogenetic location: Xp21.1.
Variant type: Duplication.
Identifiers: ClinVar variation 526165 (VCV000526165.7).

ClinVar aggregate classification (germline): Pathogenic (1 of 4 stars; one submission).

Conditions:
Duchenne muscular dystrophy (DMD). Also called: Duchenne Muscular Dystrophy (DMD); MUSCULAR DYSTROPHY, PSEUDOHYPERTROPHIC PROGRESSIVE, DUCHENNE TYPE. Identifiers: Orphanet 98896, MedGen C0013264, MONDO:0010679, OMIM 310200.

Submission:

Labcorp Genetics (formerly Invitae), Labcorp
Classification: Pathogenic for Duchenne muscular dystrophy. Last evaluated: 2022-04-25. Review status: criteria provided, single submitter. Criteria: Invitae Variant Classification Sherloc (09022015). Collection method: clinical testing. Allele origin: germline.
Comment: This variant results in a copy number gain of the genomic region encompassing exon(s) 50 of the DMD gene. While the exact position of this variant cannot be determined from the data, sub-genic copy number gains are generally in tandem (PMID: 25640679). This variant is predicted to be out-of-frame, and may result in an absent or disrupted protein product. Loss-of-function variants in DMD are known to be pathogenic (PMID: 16770791, 25007885). A similar copy number variant has been observed in individuals with Duchenne muscular dystrophy (PMID: 19937601; Invitae). For these reasons, this variant has been classified as Pathogenic.

Literature cited by the submitters: PubMed 25640679; PubMed 16770791; PubMed 25007885; PubMed 19937601.